The following is an entry in ClinVar:

NM_001199973.2(RPL36A-HNRNPH2):c.331CCA[1] (p.Pro112del)

Genes: RPL36A-HNRNPH2 (RPL36A-HNRNPH2 readthrough; plus strand), HNRNPH2 (heterogeneous nuclear ribonucleoprotein H2; plus strand). Cytogenetic location: Xq22.1.
Variant type: Microsatellite.
Coding change: c.331CCA[1] on transcript NM_001199973.2; one copy of the 3-base unit CCA starting at c.331; the reference has two copies in a row; one copy, 3 bases deleted.
Protein change: p.Pro112del; deletes proline 112.
Molecular consequence: 5 prime UTR variant (on NM_019597.5).
Genome position (GRCh38, 1-based): chrX:101,411,969-101,411,971, CCA deleted; deleting any 3 consecutive bases within chrX:101,411,966-101,411,971 gives the same sequence; the position shown is the placement nearest the transcript's 3' end. VCF-style (leftmost placement, unchanged base first): chrX-101411965-GCCA-G. GRCh37 (hg19) VCF-style: chrX-100666953-GCCA-G.
Other names: c.208CCA[1], p.Pro71del (NM_001199974.2); c.-23CCA[1] (NM_001032393.3, NM_019597.5); short protein forms P112del, P71del.
Identifiers: ClinVar variation 3778084 (VCV003778084.7).

ClinVar aggregate classification (germline): Likely benign (1 of 4 stars; one submission).

Submission:

CeGaT Center for Human Genetics Tuebingen
Classification: Likely benign. Last evaluated: 2025-03-01. Review status: criteria provided, single submitter. Criteria: CeGaT Center For Human Genetics Tuebingen Variant Classification Criteria Version 2. Collection method: clinical testing. Allele origin: germline. Affected: yes. Observed: 1 variant allele.
Comment: RPL36A-HNRNPH2: PM4:Supporting, BS2